The following is an entry in ClinVar:

NM_000719.7(CACNA1C):c.92A>G (p.Asn31Ser)

Gene: CACNA1C (calcium voltage-gated channel subunit alpha1 C; plus strand). Cytogenetic location: 12p13.33.
Variant type: single nucleotide variant.
Coding change: c.92A>G on transcript NM_000719.7 (MANE Select); coding-DNA position 92, A replaced by G.
Protein change: p.Asn31Ser; replaces asparagine 31 with serine.
Molecular consequence: missense variant.
Genome position (GRCh38, 1-based): chr12:2,115,266, A>G. VCF-style: chr12-2115266-A-G. GRCh37 (hg19) VCF-style: chr12-2224432-A-G.
Other names: c.92A>G, p.Asn31Ser (NM_001129827.2, NM_001129829.2, NM_001129830.3 and 19 more transcripts); short protein forms N31S.
Identifiers: ClinVar variation 1025644 (VCV001025644.8), dbSNP rs1367895262, ClinGen allele CA383652919.
Genomic context (GRCh38, chr12:2,115,266, plus strand): 5'-TTTTCTCTTTTGCCACAGGTTCCAACTATGGGAGCCCACGCCCCGCCCATGCCAACATGA[A>G]TGCCAATGCGGCAGCGGGGCTGGCCCCTGAGCACATCCCCACCCCGGGGGCTGCCCTGTC-3'
Protein context (NP_000710.5, residues 21-41): GSPRPAHANM[Asn31Ser]ANAAAGLAPE

ClinVar aggregate classification (germline): Uncertain significance (1 of 4 stars; one submission).

Conditions:
Long QT syndrome (LQTS). Identifiers: MedGen C0023976, MeSH D008133, MONDO:0002442. Disease mechanism: loss of function. Inheritance: Various modes of inheritance.

Allele frequency attached by ClinVar (database versions not stated): gnomAD exomes 0.00001; gnomAD 0.00002; TOPMed 0.00003.
gnomAD v4.1: 23 of 1,592,258 alleles (0.0014%); highest among the groups gnomAD compares: Non-Finnish European, 0.002%; no homozygotes.

Submission:

Labcorp Genetics (formerly Invitae), Labcorp
Classification: Uncertain significance for Long QT syndrome. Last evaluated: 2026-02-01. Review status: criteria provided, single submitter. Criteria: Invitae Variant Classification Sherloc (09022015). Collection method: clinical testing. Allele origin: germline.
Comment: This sequence change replaces asparagine, which is neutral and polar, with serine, which is neutral and polar, at codon 31 of the CACNA1C protein (p.Asn31Ser). This variant is not present in population databases (gnomAD no frequency). This variant has not been reported in the literature in individuals affected with CACNA1C-related conditions. ClinVar contains an entry for this variant (Variation ID: 1025644). Invitae Evidence Modeling of protein sequence and biophysical properties (such as structural, functional, and spatial information, amino acid conservation, physicochemical variation, residue mobility, and thermodynamic stability) indicates that this missense variant is not expected to disrupt CACNA1C protein function with a negative predictive value of 95%. In summary, the available evidence is currently insufficient to determine the role of this variant in disease. Therefore, it has been classified as a Variant of Uncertain Significance.